The following is an entry in ClinVar:

NM_001370658.1(BTD):c.838A>C (p.Asn280His)

Gene: BTD (biotinidase; plus strand). Cytogenetic location: 3p25.1.
Variant type: single nucleotide variant.
Coding change: c.838A>C on transcript NM_001370658.1 (MANE Select); coding-DNA position 838, A replaced by C.
Protein change: p.Asn280His; replaces asparagine 280 with histidine.
Molecular consequence: missense variant. On other transcripts: intron variant (1).
Genome position (GRCh38, 1-based): chr3:15,644,754, A>C. VCF-style: chr3-15644754-A-C. GRCh37 (hg19) VCF-style: chr3-15686261-A-C.
Other names: c.838A>C, p.Asn280His (NM_001281723.4, NM_001281724.3, NM_001281725.3 and 18 more transcripts); c.898A>C, p.Asn300His (NM_000060.4); c.399+2697A>C (NM_001370753.1); short protein forms N280H.
Identifiers: ClinVar variation 156004 (VCV000156004.4), dbSNP rs587783006, ClinGen allele CA278441.

ClinVar aggregate classification (germline): Likely pathogenic. Review status: criteria provided, single submitter (1 of 4 stars). 2 submissions from 2 submitters: Likely pathogenic (1). 1 of the submissions does not count toward it. Last evaluated 2016-03-07.

Conditions:
Biotinidase deficiency. Also called: BTD deficiency; Late-onset biotin-responsive multiple carboxylase deficiency; Biotin deficiency. Identifiers: Orphanet 79241, MedGen C0220754, MONDO:0009665, OMIM 253260.

Allele frequency attached by ClinVar (database versions not stated): gnomAD exomes below 0.00001.
gnomAD v4.1: 1 of 1,614,198 alleles (0.000062%); highest among the groups gnomAD compares: Non-Finnish European, 0.000085%; no homozygotes.

Submissions (2):

GeneDx
Classification: Likely pathogenic. Last evaluated: 2016-03-07. Review status: criteria provided, single submitter. Criteria: GeneDx Variant Classification (06012015). Collection method: clinical testing. Allele origin: germline. Affected: yes.
Comment: The N300H variant was not observed in approximately 6500 individuals of European and African American ancestry in the NHLBI Exome Sequencing Project, indicating it is not a common benign variant in these populations. The N300H variant is a semi-conservative amino acid substitution, which may impact secondary protein structure as these residues differ in some properties. This substitution occurs at a position that is conserved across species. In silico analysis predicts this variant is probably damaging to the protein structure/function. In summary, the N300H variant is likely pathogenic; however, the possibility that it is benign cannot be excluded.

Molecular Genetics Diagnostic Laboratory, Detroit Medical Center University Laboratories
Classification: Pathogenic for Biotinidase deficiency. Review status: no assertion criteria provided. Collection method: clinical testing. Allele origin: germline. Affected: yes. Observed: 1 variant allele. Not counted in ClinVar's aggregate classification.

Literature cited by the submitters: PubMed 24797656 (cited by Molecular Genetics Diagnostic Laboratory, Detroit Medical Center University Laboratories).